The following is an entry in ClinVar:

NM_001145358.2(SIN3A):c.481A>G (p.Thr161Ala)

Gene: SIN3A (SIN3 transcription regulator family member A; minus strand). Cytogenetic location: 15q24.2.
Variant type: single nucleotide variant.
Coding change: c.481A>G on transcript NM_001145358.2 (MANE Select); coding-DNA position 481, A replaced by G.
Protein change: p.Thr161Ala; replaces threonine 161 with alanine.
Molecular consequence: missense variant.
Genome position (GRCh38, 1-based): chr15:75,413,038, T>C on the plus strand (A>G on the coding strand, the complement: SIN3A is on the minus strand). VCF-style: chr15-75413038-T-C. GRCh37 (hg19) VCF-style: chr15-75705379-T-C.
Other names: c.481A>G, p.Thr161Ala (NM_001145357.2, NM_015477.3); short protein forms T161A.
Identifiers: ClinVar variation 3375756 (VCV003375756.1).

ClinVar aggregate classification (germline): Likely pathogenic (1 of 4 stars; one submission).

Submission:

GeneDx
Classification: Likely pathogenic. Last evaluated: 2024-05-10. Review status: criteria provided, single submitter. Criteria: GeneDx Variant Classification Process June 2021. Collection method: clinical testing. Allele origin: germline. Affected: yes.
Comment: Not observed at significant frequency in large population cohorts (gnomAD); In silico analysis supports that this missense variant has a deleterious effect on protein structure/function; Has not been previously published as pathogenic or benign to our knowledge